The following is an entry in ClinVar:

ClinVar aggregate classification (germline): Uncertain significance. Review status: criteria provided, multiple submitters, no conflicts (2 of 4 stars). 2 submissions from 2 submitters: Uncertain significance (2). Last evaluated 2025-08-25.

Conditions:
Inborn genetic diseases. Identifiers: MedGen C0950123, MeSH D030342.
SEMA3A-related disorder. Also called: SEMA3A-related condition.

gnomAD v4.1: 26 of 1,612,956 alleles (0.0016%); highest among the groups gnomAD compares: Non-Finnish European, 0.0022%; no homozygotes.

Submissions (2):

Ambry Genetics
Classification: Uncertain significance for Inborn genetic diseases. Last evaluated: 2025-08-25. Review status: criteria provided, single submitter. Criteria: Ambry Variant Classification Scheme 2023. Collection method: clinical testing. Allele origin: germline.

PreventionGenetics, part of Exact Sciences
Classification: Uncertain significance for SEMA3A-related condition. Last evaluated: 2025-04-24. Review status: criteria provided, single submitter. Criteria: ACMG Guidelines, 2015. Collection method: clinical testing. Allele origin: germline.
Comment: The SEMA3A c.284T>C variant is predicted to result in the amino acid substitution p.Val95Ala. To our knowledge, this variant has not been reported in the literature or in a large population database (gnomAD), indicating this variant is rare. At this time, the clinical significance of this variant is uncertain due to the absence of conclusive functional and genetic evidence.

NM_006080.3(SEMA3A):c.284T>C (p.Val95Ala)

Gene: SEMA3A (semaphorin 3A; minus strand). Cytogenetic location: 7q21.11.
Variant type: single nucleotide variant.
Coding change: c.284T>C on transcript NM_006080.3 (MANE Select); coding-DNA position 284, T replaced by C.
Protein change: p.Val95Ala; replaces valine 95 with alanine.
Molecular consequence: missense variant.
Genome position (GRCh38, 1-based): chr7:84,129,172, A>G on the plus strand (T>C on the coding strand, the complement: SEMA3A is on the minus strand). VCF-style: chr7-84129172-A-G. GRCh37 (hg19) VCF-style: chr7-83758488-A-G.
Other names: short protein forms V95A.
Identifiers: ClinVar variation 3358776 (VCV003358776.3).